The following is an entry in ClinVar:

NM_005431.2(XRCC2):c.562C>A (p.Arg188Ser)

Gene: XRCC2 (X-ray repair cross complementing 2; minus strand). Cytogenetic location: 7q36.1.
Variant type: single nucleotide variant.
Coding change: c.562C>A on transcript NM_005431.2 (MANE Select); coding-DNA position 562, C replaced by A.
Protein change: p.Arg188Ser; replaces arginine 188 with serine.
Molecular consequence: missense variant.
Genome position (GRCh38, 1-based): chr7:152,648,923, G>T on the plus strand (C>A on the coding strand, the complement: XRCC2 is on the minus strand). VCF-style: chr7-152648923-G-T. GRCh37 (hg19) VCF-style: chr7-152346008-G-T.
Other names: short protein forms R188S.
Identifiers: ClinVar variation 3471459 (VCV003471459.1).

ClinVar aggregate classification (germline): Uncertain significance (1 of 4 stars; one submission).

Conditions:
Hereditary cancer-predisposing syndrome. Also called: Tumor predisposition; Neoplastic Syndromes, Hereditary; Hereditary neoplastic syndrome; Hereditary Cancer Syndrome. Identifiers: Orphanet 140162, MedGen C0027672, MeSH D009386, MONDO:0015356.

gnomAD v4.1: 1 of 1,614,178 alleles (0.000062%); highest among the groups gnomAD compares: Non-Finnish European, 0.000085%; no homozygotes.

Submission:

Ambry Genetics
Classification: Uncertain significance for Hereditary cancer-predisposing syndrome. Last evaluated: 2024-07-05. Review status: criteria provided, single submitter. Criteria: Ambry Variant Classification Scheme 2023. Collection method: clinical testing. Allele origin: germline.
Comment: The p.R188S variant (also known as c.562C>A), located in coding exon 3 of the XRCC2 gene, results from a C to A substitution at nucleotide position 562. The arginine at codon 188 is replaced by serine, an amino acid with dissimilar properties. This amino acid position is conserved. In addition, this alteration is predicted to be tolerated by in silico analysis. Based on the available evidence, the clinical significance of this variant remains unclear.